The following is an entry in ClinVar:

ClinVar aggregate classification (germline): Likely pathogenic (1 of 4 stars; one submission).

Conditions:
MSH4-related condition.

Submission:

PreventionGenetics, part of Exact Sciences
Classification: Likely pathogenic for MSH4-related condition. Last evaluated: 2024-11-27. Review status: criteria provided, single submitter. Criteria: ACMG Guidelines, 2015. Collection method: clinical testing. Allele origin: germline.
Comment: The MSH4 c.582dupT variant is predicted to result in a frameshift and premature protein termination (p.Ala195Cysfs*6). To our knowledge, this variant has not been reported in the literature or in a large population database (gnomAD), indicating this variant is rare. Frameshift variants in MSH4 are expected to be pathogenic. This variant is interpreted as likely pathogenic.

NM_002440.4(MSH4):c.582dup (p.Ala195fs)

Gene: MSH4 (mutS homolog 4; plus strand). Cytogenetic location: 1p31.1.
Variant type: Duplication.
Coding change: c.582dup on transcript NM_002440.4 (MANE Select); coding-DNA position 582, one base duplicated (T; older notation c.582dupT).
Protein change: p.Ala195fs; shifts the reading frame from alanine 195.
Molecular consequence: frameshift variant.
Genome position (GRCh38, 1-based): chr1:75,807,135, T duplicated. VCF-style (leftmost placement, unchanged base first): chr1-75807134-A-AT. GRCh37 (hg19) VCF-style: chr1-76272819-A-AT.
Other names: short protein forms A195fs.
Identifiers: ClinVar variation 4987533 (VCV004987533.1).